The following is an entry in ClinVar:

NM_001009944.3(PKD1):c.11717G>A (p.Cys3906Tyr)

Gene: PKD1 (polycystin 1, transient receptor potential channel interacting; minus strand). Cytogenetic location: 16p13.3.
Variant type: single nucleotide variant.
Coding change: c.11717G>A on transcript NM_001009944.3 (MANE Select); coding-DNA position 11717, G replaced by A.
Protein change: p.Cys3906Tyr; replaces cysteine 3906 with tyrosine.
Molecular consequence: missense variant.
Genome position (GRCh38, 1-based): chr16:2,091,170, C>T on the plus strand (G>A on the coding strand, the complement: PKD1 is on the minus strand). VCF-style: chr16-2091170-C-T. GRCh37 (hg19) VCF-style: chr16-2141171-C-T.
Other names: c.11714G>A, p.Cys3905Tyr (NM_000296.4); short protein forms C3905Y, C3906Y.
Identifiers: ClinVar variation 3064446 (VCV003064446.4), dbSNP rs369291413, ClinGen allele CA394330332.

ClinVar aggregate classification (germline): Uncertain significance. Review status: criteria provided, multiple submitters, no conflicts (2 of 4 stars). 2 submissions from 2 submitters: Uncertain significance (2). Last evaluated 2024-03-25.

Conditions:
Polycystic kidney disease, adult type (PKD1). Also called: POLYCYSTIC KIDNEY DISEASE 1 WITH OR WITHOUT POLYCYSTIC LIVER DISEASE; Polycystic Kidney Disease 1, Autosomal Dominant; Polycystic kidney disease 1; Polycystic kidney disease 1, severe; Polycystic Kidney, Autosomal Dominant; POLYCYSTIC KIDNEY DISEASE, ADULT, TYPE I. Identifiers: MedGen C3149841, MONDO:0008263, OMIM 173900.

gnomAD v4.1: 5 of 1,393,316 alleles (0.00036%); highest among the groups gnomAD compares: African/African-American, 0.0016%; no homozygotes.

Submissions (2):

Genomic Medicine Center of Excellence, King Faisal Specialist Hospital and Research Centre
Classification: Uncertain significance for Polycystic kidney disease, adult type. Last evaluated: 2024-03-25. Review status: criteria provided, single submitter. Criteria: ACMG Guidelines, 2015. Collection method: research. Allele origin: germline.

Juno Genomics, Hangzhou Juno Genomics, Inc
Classification: Uncertain significance for Polycystic kidney disease, adult type. Review status: criteria provided, single submitter. Criteria: ACMG Guidelines, 2015. Collection method: clinical testing. Allele origin: germline.
Comment: Absent from controls (or at extremely low frequency if recessive) in Genome Aggregation Database.;Multiple lines of computational evidence suggest no impact on gene or gene product.;Patient's phenotype or family history is highly specific for a disease with a single genetic etiology.